The following is an entry in ClinVar:

ClinVar aggregate classification (germline): Likely benign (1 of 4 stars; one submission).

Submission:

CeGaT Center for Human Genetics Tuebingen
Classification: Likely benign. Last evaluated: 2024-07-01. Review status: criteria provided, single submitter. Criteria: CeGaT Center For Human Genetics Tuebingen Variant Classification Criteria Version 2. Collection method: clinical testing. Allele origin: germline. Affected: yes. Observed: 1 variant allele.
Comment: VCX: BP4, BS2

NM_001393662.1(VCX):c.598A>G (p.Met200Val)

Gene: VCX (variable charge X-linked; plus strand). Cytogenetic location: Xp22.31.
Variant type: single nucleotide variant.
Coding change: c.598A>G on transcript NM_001393662.1 (MANE Select); coding-DNA position 598, A replaced by G.
Protein change: p.Met200Val; replaces methionine 200 with valine.
Molecular consequence: missense variant.
Genome position (GRCh38, 1-based): chrX:7,843,993, A>G. VCF-style: chrX-7843993-A-G. GRCh37 (hg19) VCF-style: chrX-7812034-A-G.
Other names: c.598A>G, p.Met200Val (NM_013452.3); short protein forms M200V.
Identifiers: ClinVar variation 3257662 (VCV003257662.17).